The following is an entry in ClinVar:

NM_198253.3(TERT):c.343T>C (p.Phe115Leu)

Gene: TERT (telomerase reverse transcriptase; minus strand). Cytogenetic location: 5p15.33.
Variant type: single nucleotide variant.
Coding change: c.343T>C on transcript NM_198253.3 (MANE Select); coding-DNA position 343, T replaced by C.
Protein change: p.Phe115Leu; replaces phenylalanine 115 with leucine.
Molecular consequence: missense variant. On other transcripts: non-coding transcript variant (2).
Genome position (GRCh38, 1-based): chr5:1,294,543, A>G on the plus strand (T>C on the coding strand, the complement: TERT is on the minus strand). VCF-style: chr5-1294543-A-G. GRCh37 (hg19) VCF-style: chr5-1294658-A-G.
Other names: c.343T>C, p.Phe115Leu (NM_001193376.3, NM_003219.1); short protein forms F115L.
Identifiers: ClinVar variation 2942415 (VCV002942415.3), dbSNP rs1554043085, ClinGen allele CA359058232.

ClinVar aggregate classification (germline): Uncertain significance (1 of 4 stars; one submission).

Conditions:
Idiopathic Pulmonary Fibrosis. Also called: Idiopathic fibrosing alveolitis, chronic form; idiopathic fibrosing alveolitis. Identifiers: Orphanet 2032, MedGen C1800706, MeSH D054990, MONDO:0800504.
Dyskeratosis congenita, autosomal dominant 2. Identifiers: MedGen C3151443, MONDO:0013521, OMIM 613989.

Submission:

Labcorp Genetics (formerly Invitae), Labcorp
Classification: Uncertain significance for Dyskeratosis congenita, autosomal dominant 2; Idiopathic Pulmonary Fibrosis. Last evaluated: 2024-09-16. Review status: criteria provided, single submitter. Criteria: Invitae Variant Classification Sherloc (09022015). Collection method: clinical testing. Allele origin: germline.
Comment: This sequence change replaces phenylalanine, which is neutral and non-polar, with leucine, which is neutral and non-polar, at codon 115 of the TERT protein (p.Phe115Leu). This variant is not present in population databases (gnomAD no frequency). This variant has not been reported in the literature in individuals affected with TERT-related conditions. Invitae Evidence Modeling of protein sequence and biophysical properties (such as structural, functional, and spatial information, amino acid conservation, physicochemical variation, residue mobility, and thermodynamic stability) indicates that this missense variant is expected to disrupt TERT protein function with a positive predictive value of 95%. In summary, the available evidence is currently insufficient to determine the role of this variant in disease. Therefore, it has been classified as a Variant of Uncertain Significance.